The following is an entry in ClinVar:

NM_052947.4(ALPK2):c.4356G>T (p.Leu1452Phe)

Genes: ALPK2 (alpha kinase 2; minus strand), LOC126862764 (BRD4-independent group 4 enhancer GRCh37_chr18:56202574-56203773; plus strand). Cytogenetic location: 18q21.31.
Variant type: single nucleotide variant.
Coding change: c.4356G>T on transcript NM_052947.4 (MANE Select); coding-DNA position 4356, G replaced by T.
Protein change: p.Leu1452Phe; replaces leucine 1452 with phenylalanine.
Molecular consequence: missense variant.
Genome position (GRCh38, 1-based): chr18:58,535,831, C>A on the plus strand (G>T on the coding strand, the complement: ALPK2 is on the minus strand). VCF-style: chr18-58535831-C-A. GRCh37 (hg19) VCF-style: chr18-56203063-C-A.
Other names: short protein forms L1452F.
Identifiers: ClinVar variation 2625968 (VCV002625968.2), dbSNP rs2518874888, ClinGen allele CA402563021.

ClinVar aggregate classification (germline): Uncertain significance (1 of 4 stars; one submission).

Submission:

Ambry Genetics
Classification: Uncertain significance. Last evaluated: 2023-06-17. Review status: criteria provided, single submitter. Criteria: Ambry Variant Classification Scheme 2023. Collection method: clinical testing. Allele origin: germline.
Comment: The p.L1452F variant (also known as c.4356G>T), located in coding exon 4 of the ALPK2 gene, results from a G to T substitution at nucleotide position 4356. The leucine at codon 1452 is replaced by phenylalanine, an amino acid with highly similar properties. This amino acid position is conserved. In addition, this alteration is predicted to be tolerated by in silico analysis. Since supporting evidence is limited at this time, the clinical significance of this alteration remains unclear.